The following is an entry in ClinVar:

ClinVar aggregate classification (germline): Uncertain significance (1 of 4 stars; one submission).

Submission:

Labcorp Genetics (formerly Invitae), Labcorp
Classification: Uncertain significance. Last evaluated: 2025-04-17. Review status: criteria provided, single submitter. Criteria: Invitae Variant Classification Sherloc (09022015). Collection method: clinical testing. Allele origin: germline.
Comment: This sequence change replaces threonine, which is neutral and polar, with asparagine, which is neutral and polar, at codon 1393 of the RAI1 protein (p.Thr1393Asn). This variant is not present in population databases (gnomAD no frequency). This variant has not been reported in the literature in individuals affected with RAI1-related conditions. Invitae Evidence Modeling of protein sequence and biophysical properties (such as structural, functional, and spatial information, amino acid conservation, physicochemical variation, residue mobility, and thermodynamic stability) indicates that this missense variant is not expected to disrupt RAI1 protein function with a negative predictive value of 80%. In summary, the available evidence is currently insufficient to determine the role of this variant in disease. Therefore, it has been classified as a Variant of Uncertain Significance.

NM_030665.4(RAI1):c.4178C>A (p.Thr1393Asn)

Gene: RAI1 (retinoic acid induced 1; plus strand). Cytogenetic location: 17p11.2.
Variant type: single nucleotide variant.
Coding change: c.4178C>A on transcript NM_030665.4 (MANE Select); coding-DNA position 4178, C replaced by A.
Protein change: p.Thr1393Asn; replaces threonine 1393 with asparagine.
Molecular consequence: missense variant.
Genome position (GRCh38, 1-based): chr17:17,797,126, C>A. VCF-style: chr17-17797126-C-A. GRCh37 (hg19) VCF-style: chr17-17700440-C-A.
Other names: short protein forms T1393N.
Identifiers: ClinVar variation 4741270 (VCV004741270.1).